The following is an entry in ClinVar:

ClinVar aggregate classification (germline): Uncertain significance (1 of 4 stars; one submission).

Submission:

Women's Health and Genetics/Laboratory Corporation of America, LabCorp
Classification: Uncertain significance. Last evaluated: 2023-08-28. Review status: criteria provided, single submitter. Criteria: LabCorp Variant Classification Summary - May 2015. Collection method: clinical testing. Allele origin: germline.
Comment: Variant summary: SSR4 c.257A>T (p.Tyr86Phe) results in a conservative amino acid change in the encoded protein sequence. Three of five in-silico tools predict a damaging effect of the variant on protein function. The variant was absent in 182868 control chromosomes. The available data on variant occurrences in the general population are insufficient to allow any conclusion about variant significance. To our knowledge, no occurrence of c.257A>T in individuals affected with SSR4-Congenital Disorder Of Glycosylation and no experimental evidence demonstrating its impact on protein function have been reported. No submitters have cited clinical-significance assessments for this variant to ClinVar after 2014. Based on the evidence outlined above, the variant was classified as uncertain significance.

NM_006280.3(SSR4):c.257A>T (p.Tyr86Phe)

Gene: SSR4 (signal sequence receptor subunit 4; plus strand). Cytogenetic location: Xq28.
Variant type: single nucleotide variant.
Coding change: c.257A>T on transcript NM_006280.3 (MANE Select); coding-DNA position 257, A replaced by T.
Protein change: p.Tyr86Phe; replaces tyrosine 86 with phenylalanine.
Molecular consequence: missense variant.
Genome position (GRCh38, 1-based): chrX:153,797,528, A>T. VCF-style: chrX-153797528-A-T. GRCh37 (hg19) VCF-style: chrX-153062983-A-T.
Other names: c.290A>T, p.Tyr97Phe (NM_001204526.2); c.281A>T, p.Tyr94Phe (NM_001204527.2); short protein forms Y86F, Y94F, Y97F.
Identifiers: ClinVar variation 2581408 (VCV002581408.1), dbSNP rs2520526582, ClinGen allele CA415186645.
Genomic context (GRCh38, chrX:153,797,528, plus strand): 5'-TCTATGCTGACGTCGGTGGAAAACAATTCCCTGTCACTCGAGGCCAGGATGTGGGGCGTT[A>T]TCAGGTGAGGGGCCAATGGTTCCCTTGCTAGGGGGCTCCCTGCTCCCGGGTGTGACCTGA-3'
Protein context (NP_006271.1, residues 76-96): PVTRGQDVGR[Tyr86Phe]QVSWSLDHKS